The following is an entry in ClinVar:

NM_001009944.3(PKD1):c.7489+1G>C

Gene: PKD1 (polycystin 1, transient receptor potential channel interacting; minus strand). Cytogenetic location: 16p13.3.
Variant type: single nucleotide variant.
Coding change: c.7489+1G>C on transcript NM_001009944.3 (MANE Select); the canonical splice donor site of the intron after coding-DNA position 7489, G replaced by C.
Molecular consequence: splice donor variant.
Genome position (GRCh38, 1-based): chr16:2,106,397, C>G on the plus strand (G>C on the coding strand, the complement: PKD1 is on the minus strand). VCF-style: chr16-2106397-C-G. GRCh37 (hg19) VCF-style: chr16-2156398-C-G.
Other names: c.7489+1G>C (NM_000296.4).
Identifiers: ClinVar variation 4853436 (VCV004853436.1).

ClinVar aggregate classification (germline): Likely pathogenic (1 of 4 stars; one submission).

Conditions:
Polycystic kidney disease, adult type (PKD1). Also called: Polycystic Kidney, Autosomal Dominant; POLYCYSTIC KIDNEY DISEASE, ADULT, TYPE I; Polycystic Kidney Disease 1, Autosomal Dominant; Polycystic kidney disease 1; Polycystic kidney disease 1, severe; POLYCYSTIC KIDNEY DISEASE 1 WITH OR WITHOUT POLYCYSTIC LIVER DISEASE. Identifiers: MedGen C3149841, MONDO:0008263, OMIM 173900.

Submission:

Women's Health and Genetics/Laboratory Corporation of America, LabCorp
Classification: Likely pathogenic for Polycystic kidney disease, adult type. Last evaluated: 2026-05-08. Review status: criteria provided, single submitter. Criteria: LabCorp Variant Classification Summary - May 2015. Collection method: clinical testing. Allele origin: germline.
Comment: Variant summary: PKD1 c.7489+1G>C is located in a canonical splice-site and is predicted to affect mRNA splicing resulting in a significantly altered protein due to either exon skipping, shortening, or inclusion of intronic material. Variants that disrupt the consensus splice site are a relatively common cause of aberrant splicing and loss of PKD1 function. Several computational tools predict a significant impact on normal splicing: Four predict the variant abolishes a canonical 5' splicing donor site. However, these predictions have yet to be confirmed by functional studies. The variant was absent in 187072 control chromosomes. To our knowledge, no occurrence of c.7489+1G>C in individuals affected with PKD1-related conditions and no experimental evidence demonstrating its impact on protein function have been reported. No submitters have cited clinical-significance assessments for this variant to ClinVar. Based on the evidence outlined above, the variant was classified as likely pathogenic.